The following is an entry in ClinVar:

ClinVar aggregate classification (germline): Uncertain significance. Review status: criteria provided, multiple submitters, no conflicts (2 of 4 stars). 2 submissions from 2 submitters: Uncertain significance (2). Last evaluated 2022-02-23.

Submissions (2):

Labcorp Genetics (formerly Invitae), Labcorp
Classification: Uncertain significance. Last evaluated: 2022-02-23. Review status: criteria provided, single submitter. Criteria: Invitae Variant Classification Sherloc (09022015). Collection method: clinical testing. Allele origin: germline.
Comment: In summary, the available evidence is currently insufficient to determine the role of this variant in disease. Therefore, it has been classified as a Variant of Uncertain Significance. Advanced modeling of protein sequence and biophysical properties (such as structural, functional, and spatial information, amino acid conservation, physicochemical variation, residue mobility, and thermodynamic stability) performed at Invitae indicates that this missense variant is expected to disrupt COL9A1 protein function. ClinVar contains an entry for this variant (Variation ID: 1016650). This variant has not been reported in the literature in individuals affected with COL9A1-related conditions. This variant is not present in population databases (gnomAD no frequency). This sequence change replaces glycine, which is neutral and non-polar, with cysteine, which is neutral and slightly polar, at codon 799 of the COL9A1 protein (p.Gly799Cys).

Blueprint Genetics
Classification: Uncertain significance. Last evaluated: 2020-05-07. Review status: criteria provided, single submitter. Criteria: ACMG Guidelines, 2015. Collection method: clinical testing. Allele origin: germline.

NM_001851.6(COL9A1):c.2395G>T (p.Gly799Cys)

Gene: COL9A1 (collagen type IX alpha 1 chain; minus strand). Cytogenetic location: 6q13.
Variant type: single nucleotide variant.
Coding change: c.2395G>T on transcript NM_001851.6 (MANE Select); coding-DNA position 2395, G replaced by T.
Protein change: p.Gly799Cys; replaces glycine 799 with cysteine.
Molecular consequence: missense variant. On other transcripts: non-coding transcript variant (1).
Genome position (GRCh38, 1-based): chr6:70,232,691, C>A on the plus strand (G>T on the coding strand, the complement: COL9A1 is on the minus strand). VCF-style: chr6-70232691-C-A. GRCh37 (hg19) VCF-style: chr6-70942394-C-A.
Other names: c.1696G>T, p.Gly566Cys (NM_001377289.1); c.1519G>T, p.Gly507Cys (NM_001377290.1); c.1666G>T, p.Gly556Cys (NM_078485.4); short protein forms G507C, G556C, G566C, G799C.
Identifiers: ClinVar variation 1016650 (VCV001016650.7), dbSNP rs1769629894, ClinGen allele CA364671967.